The following is an entry in ClinVar:

ClinVar aggregate classification (germline): Conflicting classifications of pathogenicity. Review status: criteria provided, conflicting classifications (1 of 4 stars). 3 submissions from 3 submitters: Uncertain significance (1); Likely benign (1). 1 of the submissions does not count toward it. Last evaluated 2025-04-29.

Conditions:
Retinal dystrophy. Also called: Inherited retinal dystrophy. Identifiers: Orphanet 71862, MedGen C0854723, MeSH D058499, MONDO:0019118, HP:0000556.

Allele frequency attached by ClinVar (database versions not stated): ExAC 0.00006; ESP Exome Variant Server 0.00008.
gnomAD v4.1: 62 of 1,613,066 alleles (0.0038%); highest among the groups gnomAD compares: Middle Eastern, 0.073%; no homozygotes.

Submissions (3):

Labcorp Genetics (formerly Invitae), Labcorp
Classification: Uncertain significance. Last evaluated: 2025-04-29. Review status: criteria provided, single submitter. Criteria: Invitae Variant Classification Sherloc (09022015). Collection method: clinical testing. Allele origin: germline.
Comment: This sequence change replaces arginine, which is basic and polar, with histidine, which is basic and polar, at codon 281 of the CAPN5 protein (p.Arg281His). This variant is present in population databases (rs369224922, gnomAD 0.01%). This variant has not been reported in the literature in individuals affected with CAPN5-related conditions. ClinVar contains an entry for this variant (Variation ID: 1465161). Invitae Evidence Modeling of protein sequence and biophysical properties (such as structural, functional, and spatial information, amino acid conservation, physicochemical variation, residue mobility, and thermodynamic stability) indicates that this missense variant is expected to disrupt CAPN5 protein function with a positive predictive value of 80%. In summary, the available evidence is currently insufficient to determine the role of this variant in disease. Therefore, it has been classified as a Variant of Uncertain Significance.

Blueprint Genetics
Classification: Likely benign. Last evaluated: 2024-01-30. Review status: criteria provided, single submitter. Criteria: ACMG Guidelines, 2015. Collection method: clinical testing. Allele origin: germline.

Institute of Human Genetics, Univ. Regensburg, Univ. Regensburg
Classification: Uncertain significance for Retinal dystrophy. Last evaluated: 2022-01-01. Review status: no assertion criteria provided. Criteria: ACMG Guidelines, 2015. Collection method: clinical testing. Allele origin: germline. Affected: yes. Not counted in ClinVar's aggregate classification.

NM_004055.5(CAPN5):c.842G>A (p.Arg281His)

Gene: CAPN5 (calpain 5; plus strand). Cytogenetic location: 11q13.5.
Variant type: single nucleotide variant.
Coding change: c.842G>A on transcript NM_004055.5 (MANE Select); coding-DNA position 842, G replaced by A.
Protein change: p.Arg281His; replaces arginine 281 with histidine.
Molecular consequence: missense variant.
Genome position (GRCh38, 1-based): chr11:77,115,537, G>A. VCF-style: chr11-77115537-G-A. GRCh37 (hg19) VCF-style: chr11-76826583-G-A.
Other names: short protein forms R281H.
Identifiers: ClinVar variation 1465161 (VCV001465161.8), dbSNP rs369224922, ClinGen allele CA6196571.